The following is an entry in ClinVar:

ClinVar aggregate classification (germline): Uncertain significance (1 of 4 stars; one submission).

Submission:

Ambry Genetics
Classification: Uncertain significance. Last evaluated: 2024-08-21. Review status: criteria provided, single submitter. Criteria: Ambry Variant Classification Scheme 2023. Collection method: clinical testing. Allele origin: germline.
Comment: The p.C385Y variant (also known as c.1154G>A), located in coding exon 5 of the MNDA gene, results from a G to A substitution at nucleotide position 1154. The cysteine at codon 385 is replaced by tyrosine, an amino acid with highly dissimilar properties. This amino acid position is conserved. In addition, this alteration is predicted to be tolerated by in silico analysis. Since supporting evidence is limited at this time, the clinical significance of this alteration remains unclear.

NM_002432.3(MNDA):c.1154G>A (p.Cys385Tyr)

Gene: MNDA (myeloid cell nuclear differentiation antigen; plus strand). Cytogenetic location: 1q23.1.
Variant type: single nucleotide variant.
Coding change: c.1154G>A on transcript NM_002432.3 (MANE Select); coding-DNA position 1154, G replaced by A.
Protein change: p.Cys385Tyr; replaces cysteine 385 with tyrosine.
Molecular consequence: missense variant.
Genome position (GRCh38, 1-based): chr1:158,847,894, G>A. VCF-style: chr1-158847894-G-A. GRCh37 (hg19) VCF-style: chr1-158817684-G-A.
Other names: short protein forms C385Y.
Identifiers: ClinVar variation 1734909 (VCV001734909.3), dbSNP rs775044326, ClinGen allele CA343044940.